The following is an entry in ClinVar:

ClinVar aggregate classification (germline): Uncertain significance. Review status: criteria provided, multiple submitters, no conflicts (2 of 4 stars). 2 submissions from 2 submitters: Uncertain significance (2). Last evaluated 2025-10-08.

Conditions:
Cardiovascular phenotype. Identifiers: MedGen CN230736.
Long QT syndrome (LQTS). Identifiers: MedGen C0023976, MeSH D008133, MONDO:0002442. Disease mechanism: loss of function. Inheritance: Various modes of inheritance.

Submissions (2):

Labcorp Genetics (formerly Invitae), Labcorp
Classification: Uncertain significance for Long QT syndrome. Last evaluated: 2025-10-08. Review status: criteria provided, single submitter. Criteria: Invitae Variant Classification Sherloc (09022015). Collection method: clinical testing. Allele origin: germline.
Comment: This sequence change replaces glutamine, which is neutral and polar, with leucine, which is neutral and non-polar, at codon 1495 of the AKAP9 protein (p.Gln1495Leu). This variant is not present in population databases (gnomAD no frequency). This variant has not been reported in the literature in individuals affected with AKAP9-related conditions. ClinVar contains an entry for this variant (Variation ID: 3850100). An algorithm developed to predict the effect of missense changes on protein structure and function (PolyPhen-2) suggests that this variant is likely to be tolerated. In summary, the available evidence is currently insufficient to determine the role of this variant in disease. Therefore, it has been classified as a Variant of Uncertain Significance.

Ambry Genetics
Classification: Uncertain significance for Cardiovascular phenotype. Last evaluated: 2025-02-07. Review status: criteria provided, single submitter. Criteria: Ambry Variant Classification Scheme 2023. Collection method: clinical testing. Allele origin: germline.

NM_005751.5(AKAP9):c.4484A>T (p.Gln1495Leu)

Gene: AKAP9 (A-kinase anchoring protein 9; plus strand). Cytogenetic location: 7q21.2.
Variant type: single nucleotide variant.
Coding change: c.4484A>T on transcript NM_005751.5 (MANE Select); coding-DNA position 4484, A replaced by T.
Protein change: p.Gln1495Leu; replaces glutamine 1495 with leucine.
Molecular consequence: missense variant.
Genome position (GRCh38, 1-based): chr7:92,038,564, A>T. VCF-style: chr7-92038564-A-T. GRCh37 (hg19) VCF-style: chr7-91667878-A-T.
Other names: c.4484A>T, p.Gln1495Leu (NM_147185.3); short protein forms Q1495L.
Identifiers: ClinVar variation 3850100 (VCV003850100.2).